The following is an entry in ClinVar:

NM_005032.7(PLS3):c.1760+6G>A

Gene: PLS3 (plastin 3; plus strand). Cytogenetic location: Xq23.
Variant type: single nucleotide variant.
Coding change: c.1760+6G>A on transcript NM_005032.7 (MANE Select); 6 bases into the intron after coding-DNA position 1760, G replaced by A.
Molecular consequence: intron variant.
Genome position (GRCh38, 1-based): chrX:115,648,023, G>A. VCF-style: chrX-115648023-G-A. GRCh37 (hg19) VCF-style: chrX-114882343-G-A.
Other names: c.1721+6G>A (NM_001282337.2); c.1760+6G>A (NM_001440791.1, NM_001440792.1, NM_001136025.5); c.1625+6G>A (NM_001282338.2); c.1679+6G>A (NM_001172335.3).
Identifiers: ClinVar variation 4759694 (VCV004759694.1).
Genomic context (GRCh38, chrX:115,648,023, plus strand): 5'-ATGACCTTGTGAAGAGTGGCAATCTAACAGAAGATGACAAGCACAATAATGCCAAGTAAG[G>A]GAGACTGCTAATAGTATGAAAAGAACGCAGCTTTGTAGCTGGACAGATCTGAATTCTAAT-3'

ClinVar aggregate classification (germline): Uncertain significance (1 of 4 stars; one submission).

Submission:

Labcorp Genetics (formerly Invitae), Labcorp
Classification: Uncertain significance. Last evaluated: 2025-10-05. Review status: criteria provided, single submitter. Criteria: Invitae Variant Classification Sherloc (09022015). Collection method: clinical testing. Allele origin: germline.
Comment: This sequence change falls in intron 15 of the PLS3 gene. It does not directly change the encoded amino acid sequence of the PLS3 protein. It affects a nucleotide within the consensus splice site. This variant is not present in population databases (gnomAD no frequency). This variant has not been reported in the literature in individuals affected with PLS3-related conditions. Variants that disrupt the consensus splice site are a relatively common cause of aberrant splicing (PMID: 17576681, 9536098). Algorithms developed to predict the effect of sequence changes on RNA splicing suggest that this variant is not likely to affect RNA splicing. In summary, the available evidence is currently insufficient to determine the role of this variant in disease. Therefore, it has been classified as a Variant of Uncertain Significance.

Literature cited by the submitters: PubMed 17576681; PubMed 9536098.